The following is an entry in ClinVar:

ClinVar aggregate classification (germline): Uncertain significance (1 of 4 stars; one submission).

Conditions:
Developmental and epileptic encephalopathy, 23 (DEE23). Also called: Epileptic encephalopathy, early infantile, 23. Identifiers: Orphanet 411986, MedGen C4014492, MONDO:0014371, OMIM 615859.

Allele frequency attached by ClinVar (database versions not stated): ExAC 0.00001.
gnomAD v4.1: 3 of 1,612,286 alleles (0.00019%); highest among the groups gnomAD compares: Admixed American, 0.0034%; no homozygotes.

Submission:

Labcorp Genetics (formerly Invitae), Labcorp
Classification: Uncertain significance for Developmental and epileptic encephalopathy, 23. Last evaluated: 2023-06-26. Review status: criteria provided, single submitter. Criteria: Invitae Variant Classification Sherloc (09022015). Collection method: clinical testing. Allele origin: germline.
Comment: In summary, the available evidence is currently insufficient to determine the role of this variant in disease. Therefore, it has been classified as a Variant of Uncertain Significance. Variants that disrupt the consensus splice site are a relatively common cause of aberrant splicing (PMID: 17576681, 9536098). Algorithms developed to predict the effect of sequence changes on RNA splicing suggest that this variant is not likely to affect RNA splicing. ClinVar contains an entry for this variant (Variation ID: 2165266). This variant has not been reported in the literature in individuals affected with DOCK7-related conditions. This variant is present in population databases (rs777647463, gnomAD 0.006%). This sequence change falls in intron 46 of the DOCK7 gene. It does not directly change the encoded amino acid sequence of the DOCK7 protein. It affects a nucleotide within the consensus splice site.

Literature cited by the submitters: PubMed 17576681; PubMed 9536098.

NM_001367561.1(DOCK7):c.6105+5G>A

Gene: DOCK7 (dedicator of cytokinesis 7; minus strand). Cytogenetic location: 1p31.3.
Variant type: single nucleotide variant.
Coding change: c.6105+5G>A on transcript NM_001367561.1 (MANE Select); 5 bases into the intron after coding-DNA position 6105, G replaced by A.
Molecular consequence: intron variant.
Genome position (GRCh38, 1-based): chr1:62,475,203, C>T on the plus strand (G>A on the coding strand, the complement: DOCK7 is on the minus strand). VCF-style: chr1-62475203-C-T. GRCh37 (hg19) VCF-style: chr1-62940874-C-T.
Other names: c.5979+5G>A (NM_001272001.2); c.5985+5G>A (NM_001272000.2); c.6012+5G>A (NM_033407.4); c.6072+5G>A (NM_001271999.2); c.6078+5G>A (NM_001330614.2).
Identifiers: ClinVar variation 2165266 (VCV002165266.3), dbSNP rs777647463, ClinGen allele CA885305.
Genomic context (GRCh38, chr1:62,475,203, plus strand): 5'-GATCTGAAATTATCCCAAATCGTATTTACAGCTTAAATCACACAGTGCTAGCAAAAAGCA[C>T]TAACCTGATTCACTGTGGTGCCTACAGATCCCTGGAGTACCATCTGAAGCATTTTGGGGT-3'